The following is an entry in ClinVar:

NM_000400.4(ERCC2):c.1358C>T (p.Ser453Phe)

Gene: ERCC2 (ERCC excision repair 2, TFIIH core complex helicase subunit; minus strand). Cytogenetic location: 19q13.32.
Variant type: single nucleotide variant.
Coding change: c.1358C>T on transcript NM_000400.4 (MANE Select); coding-DNA position 1358, C replaced by T.
Protein change: p.Ser453Phe; replaces serine 453 with phenylalanine.
Molecular consequence: missense variant.
Genome position (GRCh38, 1-based): chr19:45,357,493, G>A on the plus strand (C>T on the coding strand, the complement: ERCC2 is on the minus strand). VCF-style: chr19-45357493-G-A. GRCh37 (hg19) VCF-style: chr19-45860751-G-A.
Other names: short protein forms S453F.
Identifiers: ClinVar variation 1770741 (VCV001770741.2), dbSNP rs566827695, ClinGen allele CA406367466.

ClinVar aggregate classification (germline): Uncertain significance (1 of 4 stars; one submission).

Conditions:
Inborn genetic diseases. Identifiers: MedGen C0950123, MeSH D030342.

Submission:

Ambry Genetics
Classification: Uncertain significance for Inborn genetic diseases. Last evaluated: 2021-08-08. Review status: criteria provided, single submitter. Criteria: Ambry Variant Classification Scheme 2023. Collection method: clinical testing. Allele origin: germline.
Comment: The p.S453F variant (also known as c.1358C>T), located in coding exon 14 of the ERCC2 gene, results from a C to T substitution at nucleotide position 1358. The serine at codon 453 is replaced by phenylalanine, an amino acid with highly dissimilar properties. This amino acid position is conserved. In addition, this alteration is predicted to be deleterious by in silico analysis. Since supporting evidence is limited at this time, the clinical significance of this alteration remains unclear.